The following is an entry in ClinVar:

NM_000057.4(BLM):c.389A>G (p.Lys130Arg)

Gene: BLM (BLM RecQ like helicase; plus strand). Cytogenetic location: 15q26.1.
Variant type: single nucleotide variant.
Coding change: c.389A>G on transcript NM_000057.4 (MANE Select); coding-DNA position 389, A replaced by G.
Protein change: p.Lys130Arg; replaces lysine 130 with arginine.
Molecular consequence: missense variant. On other transcripts: 5 prime UTR variant (1).
Genome position (GRCh38, 1-based): chr15:90,749,657, A>G. VCF-style: chr15-90749657-A-G. GRCh37 (hg19) VCF-style: chr15-91292887-A-G.
Other names: c.389A>G, p.Lys130Arg (NM_001287246.2, NM_001287247.2); c.-903A>G (NM_001287248.2); short protein forms K130R.
Identifiers: ClinVar variation 1735973 (VCV001735973.2), dbSNP rs2505392013, ClinGen allele CA393840444.

ClinVar aggregate classification (germline): Uncertain significance (1 of 4 stars; one submission).

Conditions:
Hereditary cancer-predisposing syndrome. Also called: Neoplastic Syndromes, Hereditary; Tumor predisposition; Hereditary Cancer Syndrome; Hereditary neoplastic syndrome. Identifiers: Orphanet 140162, MedGen C0027672, MeSH D009386, MONDO:0015356.

Submission:

Ambry Genetics
Classification: Uncertain significance for Hereditary cancer-predisposing syndrome. Last evaluated: 2020-11-05. Review status: criteria provided, single submitter. Criteria: Ambry Variant Classification Scheme 2023. Collection method: clinical testing. Allele origin: germline.
Comment: The p.K130R variant (also known as c.389A>G), located in coding exon 2 of the BLM gene, results from an A to G substitution at nucleotide position 389. The lysine at codon 130 is replaced by arginine, an amino acid with highly similar properties. This amino acid position is poorly conserved in available vertebrate species. In addition, this alteration is predicted to be tolerated by in silico analysis. Since supporting evidence is limited at this time, the clinical significance of this alteration remains unclear.